The following is an entry in ClinVar:

NM_012082.4(ZFPM2):c.2930G>A (p.Gly977Glu)

Genes: ZFPM2 (zinc finger protein, FOG family member 2; plus strand), ZFPM2-AS1 (ZFPM2 antisense RNA 1; minus strand), LOC126860469 (BRD4-independent group 4 enhancer GRCh37_chr8:106814445-106815644; plus strand). Cytogenetic location: 8q23.1.
Variant type: single nucleotide variant.
Coding change: c.2930G>A on transcript NM_012082.4 (MANE Select); coding-DNA position 2930, G replaced by A.
Protein change: p.Gly977Glu; replaces glycine 977 with glutamic acid.
Molecular consequence: missense variant.
Genome position (GRCh38, 1-based): chr8:105,803,012, G>A. VCF-style: chr8-105803012-G-A. GRCh37 (hg19) VCF-style: chr8-106815240-G-A.
Other names: c.2771G>A, p.Gly924Glu (NM_001362836.2); c.2534G>A, p.Gly845Glu (NM_001362837.2); short protein forms G924E, G977E, G845E.
Identifiers: ClinVar variation 864127 (VCV000864127.10), dbSNP rs759084301, ClinGen allele CA4839988.
Genomic context (GRCh38, chr8:105,803,012, plus strand): 5'-AAAACAGACATTTGTTTCTTCCACAATGCCTTTACCCTGGAGCAATAAAGAAAGCAAAAG[G>A]AGCCGACCAGCTTTCTCCATATTATGGAATCAAGCCAAGTGATTATATTTCTGGTTCTCT-3'
Protein context (NP_036214.2, residues 967-987): LYPGAIKKAK[Gly977Glu]ADQLSPYYGI

ClinVar aggregate classification (germline): Uncertain significance (1 of 4 stars; one submission).

Conditions:
46,XY sex reversal 9 (SRXY9). Also called: 46,XY SEX REVERSAL, ZFPM2-RELATED. Identifiers: Orphanet 251510, MedGen C4015129, MONDO:0014480, OMIM 616067.

Allele frequency attached by ClinVar (database versions not stated): ExAC 0.00001; gnomAD 0.00001; gnomAD exomes 0.00001 and 0.00003; TOPMed 0.00001.
gnomAD v4.1: 44 of 1,612,816 alleles (0.0027%); highest among the groups gnomAD compares: Non-Finnish European, 0.0036%; no homozygotes.

Submission:

Labcorp Genetics (formerly Invitae), Labcorp
Classification: Uncertain significance for 46,XY sex reversal 9. Last evaluated: 2019-04-25. Review status: criteria provided, single submitter. Criteria: Invitae Variant Classification Sherloc (09022015). Collection method: clinical testing. Allele origin: germline.
Comment: In summary, the available evidence is currently insufficient to determine the role of this variant in disease. Therefore, it has been classified as a Variant of Uncertain Significance. Algorithms developed to predict the effect of missense changes on protein structure and function (SIFT, PolyPhen-2, Align-GVGD) all suggest that this variant is likely to be tolerated, but these predictions have not been confirmed by published functional studies and their clinical significance is uncertain. This sequence change replaces glycine with glutamic acid at codon 977 of the ZFPM2 protein (p.Gly977Glu). The glycine residue is moderately conserved and there is a moderate physicochemical difference between glycine and glutamic acid. The frequency data for this variant in the population databases is considered unreliable, as metrics indicate poor data quality at this position in the ExAC database. This variant has not been reported in the literature in individuals with ZFPM2-related conditions.